The following is an entry in ClinVar:

ClinVar aggregate classification (germline): Uncertain significance (1 of 4 stars; one submission).

Conditions:
Leber congenital amaurosis 13 (LCA13). Identifiers: MedGen C2675186, MONDO:0012990, OMIM 612712.

Submission:

Labcorp Genetics (formerly Invitae), Labcorp
Classification: Uncertain significance for Leber congenital amaurosis 13. Last evaluated: 2022-06-12. Review status: criteria provided, single submitter. Criteria: Invitae Variant Classification Sherloc (09022015). Collection method: clinical testing. Allele origin: germline.
Comment: In summary, the available evidence is currently insufficient to determine the role of this variant in disease. Therefore, it has been classified as a Variant of Uncertain Significance. Algorithms developed to predict the effect of missense changes on protein structure and function are either unavailable or do not agree on the potential impact of this missense change (SIFT: "Deleterious"; PolyPhen-2: "Probably Damaging"; Align-GVGD: "Class C0"). This variant has not been reported in the literature in individuals affected with RDH12-related conditions. This variant is not present in population databases (gnomAD no frequency). This sequence change replaces histidine, which is basic and polar, with proline, which is neutral and non-polar, at codon 120 of the RDH12 protein (p.His120Pro).

NM_152443.3(RDH12):c.359A>C (p.His120Pro)

Genes: GPHN (gephyrin; plus strand), RDH12 (retinol dehydrogenase 12; plus strand). Cytogenetic location: 14q24.1.
Variant type: single nucleotide variant.
Coding change: c.359A>C on transcript NM_152443.3 (MANE Select); coding-DNA position 359, A replaced by C.
Protein change: p.His120Pro; replaces histidine 120 with proline.
Molecular consequence: missense variant.
Genome position (GRCh38, 1-based): chr14:67,726,066, A>C. VCF-style: chr14-67726066-A-C. GRCh37 (hg19) VCF-style: chr14-68192783-A-C.
Other names: short protein forms H120P.
Identifiers: ClinVar variation 1959935 (VCV001959935.5), dbSNP rs2503804597, ClinGen allele CA390149971.